The following is an entry in ClinVar:

ClinVar aggregate classification (germline): Uncertain significance. Review status: criteria provided, multiple submitters, no conflicts (2 of 4 stars). 3 submissions from 3 submitters: Uncertain significance (3). Last evaluated 2025-05-01.

Conditions:
Inborn genetic diseases. Identifiers: MedGen C0950123, MeSH D030342.
Cataract 18 (CATC2). Also called: CATARACT 18, AUTOSOMAL RECESSIVE. Identifiers: Orphanet 91492, Orphanet 98991, Orphanet 98992, Orphanet 98995, MedGen C1864908, MONDO:0012395, OMIM 610019.

Allele frequency attached by ClinVar (database versions not stated): gnomAD exomes below 0.00001; ExAC 0.00001.

Submissions (3):

Ambry Genetics
Classification: Uncertain significance for Inborn genetic diseases. Last evaluated: 2025-05-01. Review status: criteria provided, single submitter. Criteria: Ambry Variant Classification Scheme 2023. Collection method: clinical testing. Allele origin: germline.

CeGaT Center for Human Genetics Tuebingen
Classification: Uncertain significance. Last evaluated: 2022-04-01. Review status: criteria provided, single submitter. Criteria: CeGaT Center For Human Genetics Tuebingen Variant Classification Criteria Version 2. Collection method: clinical testing. Allele origin: germline. Affected: yes. Observed: 3 variant alleles.

Labcorp Genetics (formerly Invitae), Labcorp
Classification: Uncertain significance for Cataract 18. Last evaluated: 2021-03-10. Review status: criteria provided, single submitter. Criteria: Invitae Variant Classification Sherloc (09022015). Collection method: clinical testing. Allele origin: germline.
Comment: This sequence change replaces glutamine with glutamic acid at codon 122 of the FYCO1 protein (p.Gln122Glu). The glutamine residue is highly conserved and there is a small physicochemical difference between glutamine and glutamic acid. This variant is present in population databases (rs779617235, ExAC 0.006%). This variant has been observed in individual(s) with congenital cataracts (Invitae). It has also been observed to segregate with disease in related individuals. Algorithms developed to predict the effect of missense changes on protein structure and function are either unavailable or do not agree on the potential impact of this missense change (SIFT: "Deleterious"; PolyPhen-2: "Possibly Damaging"; Align-GVGD: "Class C0"). In summary, the available evidence is currently insufficient to determine the role of this variant in disease. Therefore, it has been classified as a Variant of Uncertain Significance.

NM_024513.4(FYCO1):c.364C>G (p.Gln122Glu)

Gene: FYCO1 (FYVE and coiled-coil domain autophagy adaptor 1; minus strand). Cytogenetic location: 3p21.31.
Variant type: single nucleotide variant.
Coding change: c.364C>G on transcript NM_024513.4 (MANE Select); coding-DNA position 364, C replaced by G.
Protein change: p.Gln122Glu; replaces glutamine 122 with glutamic acid.
Molecular consequence: missense variant. On other transcripts: non-coding transcript variant (1), intron variant (1).
Genome position (GRCh38, 1-based): chr3:45,975,270, G>C on the plus strand (C>G on the coding strand, the complement: FYCO1 is on the minus strand). VCF-style: chr3-45975270-G-C. GRCh37 (hg19) VCF-style: chr3-46016762-G-C.
Other names: c.364C>G, p.Gln122Glu (NM_001386421.1, NM_001386422.1, NM_001386423.1 and 5 more transcripts); c.244C>G, p.Gln82Glu (NM_001386426.1); c.-61-5505C>G (NM_001386430.1); c.364C>G (NM_024513.2); short protein forms Q122E, Q82E.
Identifiers: ClinVar variation 1442168 (VCV001442168.38), dbSNP rs779617235, ClinGen allele CA2353500.